The following is an entry in ClinVar:

NM_000048.4(ASL):c.1062+7C>T

Gene: ASL (argininosuccinate lyase; plus strand). Cytogenetic location: 7q11.21.
Variant type: single nucleotide variant.
Coding change: c.1062+7C>T on transcript NM_000048.4 (MANE Select); 7 bases into the intron after coding-DNA position 1062, C replaced by T.
Molecular consequence: intron variant.
Genome position (GRCh38, 1-based): chr7:66,089,702, C>T. VCF-style: chr7-66089702-C-T. GRCh37 (hg19) VCF-style: chr7-65554689-C-T.
Other names: p.?; c.1062+7C>T (NM_001024943.2); c.1002+7C>T (NM_001024944.2); c.984+7C>T (NM_001024946.2).
Identifiers: ClinVar variation 1576058 (VCV001576058.9), dbSNP rs2115747359, ClinGen allele CA2573142316.
Genomic context (GRCh38, chr7:66,089,702, plus strand): 5'-GACACTATGAGTGCCGTGCTCCAGGTGGCCACTGGCGTCATCTCTACGCTGCAGGCAAGA[C>T]ATCACCCCCCTGCTTCTCCTCCCCTAGGTCCCAGGCACTGGGGTGGGCATGCGGGGAGGG-3'

ClinVar aggregate classification (germline): Likely benign. Review status: criteria provided, multiple submitters, no conflicts (2 of 4 stars). 2 submissions from 2 submitters: Likely benign (2). Last evaluated 2025-09-30.

Conditions:
Argininosuccinate lyase deficiency. Also called: ASL DEFICIENCY; ARGININOSUCCINIC ACID LYASE DEFICIENCY; Argininosuccinic aciduria. Identifiers: Orphanet 23, MedGen C0268547, MONDO:0008815, OMIM 207900, HP:0025630.

Submissions (2):

Labcorp Genetics (formerly Invitae), Labcorp
Classification: Likely benign for Argininosuccinate lyase deficiency. Last evaluated: 2025-09-30. Review status: criteria provided, single submitter. Criteria: Invitae Variant Classification Sherloc (09022015). Collection method: clinical testing. Allele origin: germline.

Mayo Clinic Laboratories, Mayo Clinic
Classification: Likely benign. Last evaluated: 2025-01-06. Review status: criteria provided, single submitter. Criteria: ACMG Guidelines, 2015. Collection method: clinical testing. Allele origin: germline. Observed: 1 variant allele.
Comment: BP4, BP7